The following is an entry in ClinVar:

NM_000038.6(APC):c.6880G>C (p.Gly2294Arg)

Gene: APC (APC regulator of Wnt signaling pathway; plus strand). Cytogenetic location: 5q22.2.
Variant type: single nucleotide variant.
Coding change: c.6880G>C on transcript NM_000038.6 (MANE Select); coding-DNA position 6880, G replaced by C.
Protein change: p.Gly2294Arg; replaces glycine 2294 with arginine.
Molecular consequence: missense variant.
Genome position (GRCh38, 1-based): chr5:112,842,474, G>C. VCF-style: chr5-112842474-G-C. GRCh37 (hg19) VCF-style: chr5-112178171-G-C.
Other names: c.6880G>C, p.Gly2294Arg (NM_001127510.3, NM_001354895.2); c.6826G>C, p.Gly2276Arg (NM_001127511.3); c.6934G>C, p.Gly2312Arg (NM_001354896.2); c.6910G>C, p.Gly2304Arg (NM_001354897.2); c.6805G>C, p.Gly2269Arg (NM_001354898.2); c.6796G>C, p.Gly2266Arg (NM_001354899.2); c.6757G>C, p.Gly2253Arg (NM_001354900.2); c.6703G>C, p.Gly2235Arg (NM_001354901.2); and 5 more; short protein forms G2276R, G2294R, G2134R, G2203R, G2253R, G2304R, G2266R, G2011R.
Identifiers: ClinVar variation 537520 (VCV000537520.11), dbSNP rs1019564963, ClinGen allele CA16036345.

ClinVar aggregate classification (germline): Uncertain significance. Review status: criteria provided, multiple submitters, no conflicts (2 of 4 stars). 3 submissions from 3 submitters: Uncertain significance (3). Last evaluated 2026-09-08.

Conditions:
Hereditary cancer-predisposing syndrome. Also called: Tumor predisposition; Hereditary neoplastic syndrome; Neoplastic Syndromes, Hereditary; Hereditary Cancer Syndrome. Identifiers: Orphanet 140162, MedGen C0027672, MeSH D009386, MONDO:0015356.
APC-related disorder. Also called: APC-related condition.
Familial adenomatous polyposis 1 (FAP1). Also called: FAMILIAL ADENOMATOUS POLYPOSIS 1, ATTENUATED; POLYPOSIS, ADENOMATOUS INTESTINAL. Identifiers: MedGen C2713442, MONDO:0021056, OMIM 175100. Disease mechanism: loss of function.

Submissions (3):

PreventionGenetics, part of Exact Sciences
Classification: Uncertain significance for APC-related condition. Last evaluated: 2026-09-08. Review status: criteria provided, single submitter. Criteria: ACMG Guidelines, 2015. Collection method: clinical testing. Allele origin: germline.
Comment: The APC c.6880G>C variant is predicted to result in the amino acid substitution p.Gly2294Arg. To our knowledge, this variant has not been reported in the literature or in a large population database (gnomAD), indicating this variant is rare. At this time, the clinical significance of this variant is uncertain due to the absence of conclusive functional and genetic evidence.

Ambry Genetics
Classification: Uncertain significance for Hereditary cancer-predisposing syndrome. Last evaluated: 2023-12-08. Review status: criteria provided, single submitter. Criteria: Ambry Variant Classification Scheme 2023. Collection method: clinical testing. Allele origin: germline.
Comment: The p.G2294R variant (also known as c.6880G>C), located in coding exon 15 of the APC gene, results from a G to C substitution at nucleotide position 6880. The glycine at codon 2294 is replaced by arginine, an amino acid with dissimilar properties. This amino acid position is well conserved in available vertebrate species. In addition, in silico predictors for this gene do not accurately predict pathogenicity. Since supporting evidence is limited at this time, the clinical significance of this alteration remains unclear.

Labcorp Genetics (formerly Invitae), Labcorp
Classification: Uncertain significance for Familial adenomatous polyposis 1. Last evaluated: 2023-10-14. Review status: criteria provided, single submitter. Criteria: Invitae Variant Classification Sherloc (09022015). Collection method: clinical testing. Allele origin: germline.
Comment: This sequence change replaces glycine, which is neutral and non-polar, with arginine, which is basic and polar, at codon 2294 of the APC protein (p.Gly2294Arg). This variant is not present in population databases (gnomAD no frequency). This variant has not been reported in the literature in individuals affected with APC-related conditions. ClinVar contains an entry for this variant (Variation ID: 537520). Advanced modeling of protein sequence and biophysical properties (such as structural, functional, and spatial information, amino acid conservation, physicochemical variation, residue mobility, and thermodynamic stability) performed at Invitae indicates that this missense variant is not expected to disrupt APC protein function. In summary, the available evidence is currently insufficient to determine the role of this variant in disease. Therefore, it has been classified as a Variant of Uncertain Significance.